The following is an entry in ClinVar:

ClinVar aggregate classification (germline): Uncertain significance. Review status: criteria provided, multiple submitters, no conflicts (2 of 4 stars). 2 submissions from 2 submitters: Uncertain significance (2). Last evaluated 2025-09-10.

Conditions:
Inborn genetic diseases. Identifiers: MedGen C0950123, MeSH D030342.

Submissions (2):

Ambry Genetics
Classification: Uncertain significance for Inborn genetic diseases. Last evaluated: 2025-09-10. Review status: criteria provided, single submitter. Criteria: Ambry Variant Classification Scheme 2023. Collection method: clinical testing. Allele origin: germline.
Comment: The p.R917L variant (also known as c.2750G>T), located in coding exon 28 of the FANCA gene, results from a G to T substitution at nucleotide position 2750. The arginine at codon 917 is replaced by leucine, an amino acid with dissimilar properties. This amino acid position is conserved. In addition, this alteration is predicted to be tolerated by in silico analysis. Based on the available evidence, the clinical significance of this variant remains unclear.

Blueprint Genetics
Classification: Uncertain significance. Last evaluated: 2018-11-26. Review status: criteria provided, single submitter. Criteria: ACMG Guidelines, 2015. Collection method: clinical testing. Allele origin: germline.

NM_000135.4(FANCA):c.2750G>T (p.Arg917Leu)

Gene: FANCA (FA complementation group A; minus strand). Cytogenetic location: 16q24.3.
Variant type: single nucleotide variant.
Coding change: c.2750G>T on transcript NM_000135.4 (MANE Select); coding-DNA position 2750, G replaced by T.
Protein change: p.Arg917Leu; replaces arginine 917 with leucine.
Molecular consequence: missense variant.
Genome position (GRCh38, 1-based): chr16:89,764,918, C>A on the plus strand (G>T on the coding strand, the complement: FANCA is on the minus strand). VCF-style: chr16-89764918-C-A. GRCh37 (hg19) VCF-style: chr16-89831326-C-A.
Other names: c.2750G>T, p.Arg917Leu (NM_001286167.3); short protein forms R917L.
Identifiers: ClinVar variation 4254347 (VCV004254347.2).